The following is an entry in ClinVar:

NM_005343.4(HRAS):c.219C>T (p.Arg73=)

Genes: HRAS (HRas proto-oncogene, GTPase; minus strand), LRRC56 (leucine rich repeat containing 56; plus strand). Cytogenetic location: 11p15.5.
Variant type: single nucleotide variant.
Coding change: c.219C>T on transcript NM_005343.4 (MANE Select); coding-DNA position 219, C replaced by T.
Protein change: p.Arg73=; no amino-acid change (arginine 73 retained).
Molecular consequence: synonymous variant. On other transcripts: 5 prime UTR variant (1).
Genome position (GRCh38, 1-based): chr11:533,837, G>A on the plus strand (C>T on the coding strand, the complement: HRAS is on the minus strand). VCF-style: chr11-533837-G-A. GRCh37 (hg19) VCF-style: chr11-533837-G-A.
Other names: c.219C>T, p.Arg73= (NM_001130442.3, NM_176795.5); c.-101C>T (NM_001318054.2); c.219C>T (NM_005343.3).
Identifiers: ClinVar variation 415879 (VCV000415879.40), dbSNP rs749870259, ClinGen allele CA5779386.

ClinVar aggregate classification (germline): Likely benign. Review status: criteria provided, multiple submitters, no conflicts (2 of 4 stars). 5 submissions from 5 submitters: Likely benign (4). 1 of the submissions does not count toward it. Last evaluated 2026-04-01.

Conditions:
HRAS-related disorder. Also called: HRAS-related condition.
Cardiovascular phenotype. Identifiers: MedGen CN230736.
Costello syndrome (CSTLO). Also called: HRAS-Related Costello Syndrome; FACIOCUTANEOSKELETAL SYNDROME; FCS SYNDROME. Identifiers: Orphanet 3071, MedGen C0587248, MONDO:0009026, OMIM 218040.

Allele frequency attached by ClinVar (database versions not stated): ExAC 0.00002; gnomAD exomes 0.00002 and 0.00003; gnomAD 0.00001; TOPMed 0.00001.
gnomAD v4.1: 47 of 1,613,262 alleles (0.0029%); highest among the groups gnomAD compares: Non-Finnish European, 0.0031%; no homozygotes.

Submissions (5):

CeGaT Center for Human Genetics Tuebingen
Classification: Likely benign. Last evaluated: 2026-04-01. Review status: criteria provided, single submitter. Criteria: CeGaT Center For Human Genetics Tuebingen Variant Classification Criteria Version 2. Collection method: clinical testing. Allele origin: germline. Affected: yes. Observed: 5 variant alleles.
Comment: HRAS: BP4, BP7

Labcorp Genetics (formerly Invitae), Labcorp
Classification: Likely benign for Costello syndrome. Last evaluated: 2025-11-08. Review status: criteria provided, single submitter. Criteria: Invitae Variant Classification Sherloc (09022015). Collection method: clinical testing. Allele origin: germline.

Women's Health and Genetics/Laboratory Corporation of America, LabCorp
Classification: Likely benign. Last evaluated: 2025-02-13. Review status: criteria provided, single submitter. Criteria: LabCorp Variant Classification Summary - May 2015. Collection method: clinical testing. Allele origin: germline.

Ambry Genetics
Classification: Likely benign for Cardiovascular phenotype. Last evaluated: 2021-12-13. Review status: criteria provided, single submitter. Criteria: Ambry Variant Classification Scheme 2023. Collection method: clinical testing. Allele origin: germline.

PreventionGenetics, part of Exact Sciences
Classification: Likely benign for HRAS-related condition. Last evaluated: 2020-09-30. Review status: no assertion criteria provided. Collection method: clinical testing. Allele origin: germline. Not counted in ClinVar's aggregate classification.
Comment: This variant is classified as likely benign based on ACMG/AMP sequence variant interpretation guidelines (Richards et al. 2015 PMID: 25741868, with internal and published modifications).